The following is an entry in ClinVar:

NM_001130438.3(SPTAN1):c.6923G>A (p.Arg2308His)

Gene: SPTAN1 (spectrin alpha, non-erythrocytic 1; plus strand). Cytogenetic location: 9q34.11.
Variant type: single nucleotide variant.
Coding change: c.6923G>A on transcript NM_001130438.3 (MANE Select); coding-DNA position 6923, G replaced by A.
Protein change: p.Arg2308His; replaces arginine 2308 with histidine.
Molecular consequence: missense variant.
Genome position (GRCh38, 1-based): chr9:128,632,287, G>A. VCF-style: chr9-128632287-G-A. GRCh37 (hg19) VCF-style: chr9-131394566-G-A.
Other names: c.6848G>A, p.Arg2283His (NM_001195532.2); c.6986G>A, p.Arg2329His (NM_001363759.2); c.6863G>A, p.Arg2288His (NM_001363765.2, NM_001375314.2); c.7010G>A, p.Arg2337His (NM_001375310.1); c.6923G>A, p.Arg2308His (NM_001375311.2); c.6959G>A, p.Arg2320His (NM_001375312.2); c.6905G>A, p.Arg2302His (NM_001375313.1); c.7022G>A, p.Arg2341His (NM_001375318.1); and 1 more; short protein forms R2283H, R2288H, R2302H, R2303H, R2308H, R2320H, R2329H, R2337H.
Identifiers: ClinVar variation 3341008 (VCV003341008.2).

ClinVar aggregate classification (germline): Pathogenic (1 of 4 stars; one submission).

Submission:

GeneDx
Classification: Pathogenic. Last evaluated: 2026-08-31. Review status: criteria provided, single submitter. Criteria: GeneDx Variant Classification Process June 2021. Collection method: clinical testing. Allele origin: germline.
Comment: Has not been previously reported in peer-reviewed literature as pathogenic or benign to our knowledge. However, in an abstract by Kolbel et al. (2025) this variant was reported in a proband with congenital tetradysmelia, oligosyndactyly, absent acetabular roofs of the hips, clubfoot, childhood-onset myopathy with progressive muscle weakness, severe scoliosis, and respiratory insufficiency (Kolbel H et al. (2025) Nervenheilkunde. 44 (03)); Not observed at significant frequency in large population cohorts (gnomAD); In silico analysis supports that this missense variant has a deleterious effect on protein structure/function; This variant is associated with the following publications: (PMID: Klbel2025[Abstract])